The following is an entry in ClinVar:

ClinVar aggregate classification (germline): Uncertain significance (1 of 4 stars; one submission).

Conditions:
Peutz-Jeghers syndrome (PJS). Also called: POLYPOSIS, HAMARTOMATOUS INTESTINAL; POLYPS-AND-SPOTS SYNDROME; Peutz-Jeghers polyposis; Periorificial lentiginosis syndrome. Identifiers: Orphanet 2869, MedGen C0031269, MeSH D010580, MONDO:0008280, OMIM 175200.

Allele frequency attached by ClinVar (database versions not stated): TOPMed below 0.00001.

Submission:

Labcorp Genetics (formerly Invitae), Labcorp
Classification: Uncertain significance for Peutz-Jeghers syndrome. Last evaluated: 2019-12-16. Review status: criteria provided, single submitter. Criteria: Invitae Variant Classification Sherloc (09022015). Collection method: clinical testing. Allele origin: germline.
Comment: Algorithms developed to predict the effect of missense changes on protein structure and function (SIFT, PolyPhen-2, Align-GVGD) all suggest that this variant is likely to be disruptive, but these predictions have not been confirmed by published functional studies and their clinical significance is uncertain. In summary, the available evidence is currently insufficient to determine the role of this variant in disease. Therefore, it has been classified as a Variant of Uncertain Significance. This variant has not been reported in the literature in individuals with STK11-related conditions. This variant is not present in population databases (ExAC no frequency). This sequence change replaces arginine with threonine at codon 103 of the STK11 protein (p.Arg103Thr). The arginine residue is highly conserved and there is a moderate physicochemical difference between arginine and threonine.

NM_000455.5(STK11):c.308G>C (p.Arg103Thr)

Gene: STK11 (serine/threonine kinase 11; plus strand). Cytogenetic location: 19p13.3.
Variant type: single nucleotide variant.
Coding change: c.308G>C on transcript NM_000455.5 (MANE Select); coding-DNA position 308, G replaced by C.
Protein change: p.Arg103Thr; replaces arginine 103 with threonine.
Molecular consequence: missense variant.
Genome position (GRCh38, 1-based): chr19:1,218,434, G>C. VCF-style: chr19-1218434-G-C. GRCh37 (hg19) VCF-style: chr19-1218433-G-C.
Other names: short protein forms R103T.
Identifiers: ClinVar variation 845013 (VCV000845013.10), dbSNP rs2080758446, ClinGen allele CA402947668.
Genomic context (GRCh38, chr19:1,218,434, plus strand): 5'-TGACGTTGGGTCGGCTGATACACCCCTGTCCTCTCTGTCCCAGGGAAATTCAACTACTGA[G>C]GAGGTTACGGCACAAAAATGTCATCCAGCTGGTGGATGTGTTATACAACGAAGAGAAGCA-3'
Protein context (NP_000446.1, residues 93-113): ANVKKEIQLL[Arg103Thr]RLRHKNVIQL